The following is an entry in ClinVar:

NM_021871.4(FGA):c.1838A>G (p.His613Arg)

Gene: FGA (fibrinogen alpha chain; minus strand). Cytogenetic location: 4q31.3.
Variant type: single nucleotide variant.
Coding change: c.1838A>G on transcript NM_021871.4 (MANE Select); coding-DNA position 1838, A replaced by G.
Protein change: p.His613Arg; replaces histidine 613 with arginine.
Molecular consequence: missense variant.
Genome position (GRCh38, 1-based): chr4:154,585,591, T>C on the plus strand (A>G on the coding strand, the complement: FGA is on the minus strand). VCF-style: chr4-154585591-T-C. GRCh37 (hg19) VCF-style: chr4-155506743-T-C.
Other names: c.1838A>G, p.His613Arg (NM_000508.5); c.1838A>G (LRG_557t2); short protein forms H613R.
Identifiers: ClinVar variation 347807 (VCV000347807.7), dbSNP rs201686865, ClinGen allele CA3115024.
Genomic context (GRCh38, chr4:154,585,591, plus strand): 5'-TGGATACCTCTGACAGGGCGAGATTTAGCATGGCCTCTCTTGGTGCTATGTGTTCCTTCA[T>C]GATCGGCTTCACTTCCGGCCTCATCTGCCATTTTATAGCTCTTGCTTTCAAATGTGGAGT-3'
Protein context (NP_068657.1, residues 603-623): MADEAGSEAD[His613Arg]EGTHSTKRGH

ClinVar aggregate classification (germline): Conflicting classifications of pathogenicity. Review status: criteria provided, conflicting classifications (1 of 4 stars). 4 submissions from 3 submitters: Uncertain significance (3); Benign (1). Last evaluated 2024-04-08.

Conditions:
Inborn genetic diseases. Identifiers: MedGen C0950123, MeSH D030342.
Congenital afibrinogenemia. Identifiers: Orphanet 335, Orphanet 98880, MedGen C2584774, MONDO:0008737, OMIM 202400.
Familial dysfibrinogenemia. Also called: Dysfibrinogenemia, congenital. Identifiers: Orphanet 335, Orphanet 98881, MedGen C0272350, MONDO:0014452, OMIM 616004.
Familial visceral amyloidosis, Ostertag type (AMYLD2). Also called: AMYLOIDOSIS VIII; Ostertag type amyloidosis; Familial visceral amyloidosis; Amyloidosis, hepatic and systemic; AMYLOIDOSIS, HEREDITARY SYSTEMIC 2; Hereditary Renal Amyloidosis. Identifiers: Orphanet 85450, MedGen C0268389, MONDO:0007099, OMIM 105200.

Allele frequency attached by ClinVar (database versions not stated): gnomAD 0.00003 and 0.00004; TOPMed 0.00006; gnomAD exomes 0.00007 and 0.00010; ExAC 0.00009.
gnomAD v4.1: 99 of 1,614,106 alleles (0.0061%); highest among the groups gnomAD compares: Admixed American, 0.02%; 1 homozygote.

Submissions (4):

Fulgent Genetics
Classification: Uncertain significance for Familial visceral amyloidosis, Ostertag type; Congenital afibrinogenemia; Familial dysfibrinogenemia. Last evaluated: 2024-04-08. Review status: criteria provided, single submitter. Criteria: ACMG Guidelines, 2015. Collection method: clinical testing. Allele origin: germline.

Ambry Genetics
Classification: Uncertain significance for Inborn genetic diseases. Last evaluated: 2024-01-19. Review status: criteria provided, single submitter. Criteria: Ambry Variant Classification Scheme 2023. Collection method: clinical testing. Allele origin: germline.

Illumina Laboratory Services, Illumina
Classification: Benign for Familial visceral amyloidosis, Ostertag type. Last evaluated: 2018-01-13. Review status: criteria provided, single submitter. Criteria: ICSL Variant Classification Criteria 13 December 2019. Collection method: clinical testing. Allele origin: germline.
Comment: This variant was observed in the ICSL laboratory as part of a predisposition screen in an ostensibly healthy population. It had not been previously curated by ICSL or reported in the Human Gene Mutation Database (HGMD: prior to June 1st, 2018), and was therefore a candidate for classification through an automated scoring system. Utilizing variant allele frequency, disease prevalence and penetrance estimates, and inheritance mode, an automated score was calculated to assess if this variant is too frequent to cause the disease. Based on the score and internal cut-off values, a variant classified as benign is not then subjected to further curation. The score for this variant resulted in a classification of benign for this disease.

Illumina Laboratory Services, Illumina
Classification: Uncertain significance for Congenital afibrinogenemia. Last evaluated: 2018-01-13. Review status: criteria provided, single submitter. Criteria: ICSL Variant Classification Criteria 13 December 2019. Collection method: clinical testing. Allele origin: germline.